The following is an entry in ClinVar:

NM_003970.4(MYOM2):c.1786C>A (p.Pro596Thr)

Gene: MYOM2 (myomesin 2; plus strand). Cytogenetic location: 8p23.3.
Variant type: single nucleotide variant.
Coding change: c.1786C>A on transcript NM_003970.4 (MANE Select); coding-DNA position 1786, C replaced by A.
Protein change: p.Pro596Thr; replaces proline 596 with threonine.
Molecular consequence: missense variant.
Genome position (GRCh38, 1-based): chr8:2,090,149, C>A. VCF-style: chr8-2090149-C-A. GRCh37 (hg19) VCF-style: chr8-2037972-C-A.
Other names: short protein forms P596T.
Identifiers: ClinVar variation 3052283 (VCV003052283.2), dbSNP rs191810510, ClinGen allele CA170455068.

ClinVar aggregate classification (germline): Benign (0 of 4 stars; one submission).

Conditions:
MYOM2-related disorder. Also called: MYOM2-related condition.

Allele frequency attached by ClinVar (database versions not stated): ESP Exome Variant Server 0.00015; 1000 Genomes Project 0.00040; 1000 Genomes Project 30x 0.00047.
gnomAD v4.1: 446 of 1,614,018 alleles (0.028%); highest among the groups gnomAD compares: Admixed American, 0.5%; no homozygotes.

Submission:

PreventionGenetics, part of Exact Sciences
Classification: Benign for MYOM2-related condition. Last evaluated: 2020-01-13. Review status: no assertion criteria provided. Collection method: clinical testing. Allele origin: germline.
Comment: This variant is classified as benign based on ACMG/AMP sequence variant interpretation guidelines (Richards et al. 2015 PMID: 25741868, with internal and published modifications).